The following is an entry in ClinVar:

ClinVar aggregate classification (germline): Pathogenic (1 of 4 stars; one submission).

Submission:

ISCA site 15
Classification: Pathogenic. Last evaluated: 2011-08-12. Review status: criteria provided, single submitter. Criteria: Kaminsky et al. (Genet Med. 2011). Collection method: clinical testing. Allele origin: de novo. Affected: yes. Observed: 1 variant allele.
Comment: Copy number variation identified through the course of routine clinical cytogenomic testing in postnatal populations. Clinical assertions have been curated as described in Kaminsky et al. 2011.

GRCh38/hg38 5p13.2-13.1(chr5:37016043-39383281)x3

Genes: C9 (complement C9; minus strand), CPLANE1 (ciliogenesis and planar polarity effector complex subunit 1; minus strand), CPLANE1-AS1 (CPLANE1 antisense RNA 1; plus strand), DAB2 (DAB adaptor protein 2; minus strand), EGFLAM (EGF like, fibronectin type III and laminin G domains; plus strand) and 65 more. Cytogenetic location: 5p13.2-13.1.
Variant type: copy number gain.
Change: copy number 3 (three copies instead of two) of chr5:37,016,043-39,383,281 (2.37 Mb, GRCh38 coordinates, 1-based), cytogenetic band 5p13.2-13.1.
Identifiers: ClinVar variation 58094 (VCV000058094.1).